The following is an entry in ClinVar:

NM_000465.4(BARD1):c.1902A>C (p.Glu634Asp)

Gene: BARD1 (BRCA1 associated RING domain 1; minus strand). Cytogenetic location: 2q35.
Variant type: single nucleotide variant.
Coding change: c.1902A>C on transcript NM_000465.4 (MANE Select); coding-DNA position 1902, A replaced by C.
Protein change: p.Glu634Asp; replaces glutamic acid 634 with aspartic acid.
Molecular consequence: missense variant. On other transcripts: non-coding transcript variant (3), intron variant (1).
Genome position (GRCh38, 1-based): chr2:214,745,068, T>G on the plus strand (A>C on the coding strand, the complement: BARD1 is on the minus strand). VCF-style: chr2-214745068-T-G. GRCh37 (hg19) VCF-style: chr2-215609792-T-G.
Other names: c.1845A>C, p.Glu615Asp (NM_001282543.2); c.549A>C, p.Glu183Asp (NM_001282545.2); c.492A>C, p.Glu164Asp (NM_001282548.2); c.365-14560A>C (NM_001282549.2); short protein forms E634D, E164D, E183D, E615D.
Identifiers: ClinVar variation 582076 (VCV000582076.9), dbSNP rs1559385976, ClinGen allele CA350452047.

ClinVar aggregate classification (germline): Uncertain significance (1 of 4 stars; one submission).

Conditions:
Familial cancer of breast. Also called: Hereditary breast cancer; hereditary breast carcinoma; BREAST CANCER, FAMILIAL. Identifiers: Orphanet 227535, MedGen C0346153, MONDO:0016419, OMIM 114480. Disease mechanism: loss of function.

Submission:

Labcorp Genetics (formerly Invitae), Labcorp
Classification: Uncertain significance for Familial cancer of breast. Last evaluated: 2018-01-30. Review status: criteria provided, single submitter. Criteria: Invitae Variant Classification Sherloc (09022015). Collection method: clinical testing. Allele origin: germline.
Comment: This sequence change replaces glutamic acid with aspartic acid at codon 634 of the BARD1 protein (p.Glu634Asp). The glutamic acid residue is moderately conserved and there is a small physicochemical difference between glutamic acid and aspartic acid. This variant is not present in population databases (ExAC no frequency). This variant has not been reported in the literature in individuals with BARD1-related disease. Algorithms developed to predict the effect of missense changes on protein structure and function output the following: SIFT: "Tolerated"; PolyPhen-2: "Benign"; Align-GVGD: "Class C0". The aspartic acid amino acid residue is found in multiple mammalian species, suggesting that this missense change does not adversely affect protein function. These predictions have not been confirmed by published functional studies and their clinical significance is uncertain. In summary, the available evidence is currently insufficient to determine the role of this variant in disease. Therefore, it has been classified as a Variant of Uncertain Significance.